The following is an entry in ClinVar:

NM_006691.4(LYVE1):c.923A>T (p.Lys308Met)

Genes: IRAG1-AS1 (IRAG1 antisense RNA 1; plus strand), LYVE1 (lymphatic vessel endothelial hyaluronan receptor 1; minus strand). Cytogenetic location: 11p15.4.
Variant type: single nucleotide variant.
Coding change: c.923A>T on transcript NM_006691.4 (MANE Select); coding-DNA position 923, A replaced by T.
Protein change: p.Lys308Met; replaces lysine 308 with methionine.
Molecular consequence: missense variant.
Genome position (GRCh38, 1-based): chr11:10,559,157, T>A on the plus strand (A>T on the coding strand, the complement: LYVE1 is on the minus strand). VCF-style: chr11-10559157-T-A. GRCh37 (hg19) VCF-style: chr11-10580704-T-A.
Other names: short protein forms K308M.
Identifiers: ClinVar variation 3025987 (VCV003025987.22), dbSNP rs1850366294, ClinGen allele CA379649772.
Genomic context (GRCh38, chr11:10,559,157, plus strand): 5'-CATTTCTGTCTCATCTAAACTTCAGCTTCCAGGCATCGCACGGTAGTTTTGCTTGGACTC[T>A]TGGACTCTTCTGGGTTTTTATCAGTTTTCTTTGATTCCTCATTAGGGTTGCTATCATTGG-3'
Protein context (NP_006682.2, residues 298-318): KKTDKNPEES[Lys308Met]SPSKTTVRCL

ClinVar aggregate classification (germline): Uncertain significance (1 of 4 stars; one submission).

Submission:

CeGaT Center for Human Genetics Tuebingen
Classification: Uncertain significance. Last evaluated: 2024-02-01. Review status: criteria provided, single submitter. Criteria: CeGaT Center For Human Genetics Tuebingen Variant Classification Criteria Version 2. Collection method: clinical testing. Allele origin: germline. Affected: yes. Observed: 1 variant allele.
Comment: LYVE1: PM2, BP4